The following is an entry in ClinVar:

NM_001099439.2(EPHA10):c.1236G>A (p.Leu412=)

Gene: EPHA10 (EPH receptor A10; minus strand). Cytogenetic location: 1p34.3.
Variant type: single nucleotide variant.
Coding change: c.1236G>A on transcript NM_001099439.2 (MANE Select); coding-DNA position 1236, G replaced by A.
Protein change: p.Leu412=; no amino-acid change (leucine 412 retained).
Molecular consequence: synonymous variant.
Genome position (GRCh38, 1-based): chr1:37,752,997, C>T on the plus strand (G>A on the coding strand, the complement: EPHA10 is on the minus strand). VCF-style: chr1-37752997-C-T. GRCh37 (hg19) VCF-style: chr1-38218669-C-T.
Identifiers: ClinVar variation 2638681 (VCV002638681.24), dbSNP rs2524382862, ClinGen allele CA417266133.

ClinVar aggregate classification (germline): Likely benign (1 of 4 stars; one submission).

Submission:

CeGaT Center for Human Genetics Tuebingen
Classification: Likely benign. Last evaluated: 2023-04-01. Review status: criteria provided, single submitter. Criteria: CeGaT Center For Human Genetics Tuebingen Variant Classification Criteria Version 2. Collection method: clinical testing. Allele origin: germline. Affected: yes. Observed: 1 variant allele.
Comment: EPHA10: PM2:Supporting, BP4, BP7